The following is an entry in ClinVar:

NM_003331.5(TYK2):c.629+2T>C

Gene: TYK2 (tyrosine kinase 2; minus strand). Cytogenetic location: 19p13.2.
Variant type: single nucleotide variant.
Coding change: c.629+2T>C on transcript NM_003331.5 (MANE Select); the canonical splice donor site of the intron after coding-DNA position 629, T replaced by C.
Molecular consequence: splice donor variant.
Genome position (GRCh38, 1-based): chr19:10,366,415, A>G on the plus strand (T>C on the coding strand, the complement: TYK2 is on the minus strand). VCF-style: chr19-10366415-A-G. GRCh37 (hg19) VCF-style: chr19-10477091-A-G.
Other names: c.629+2T>C (NM_001385199.1, NM_001406461.1, NM_001385205.1 and 9 more transcripts).
Identifiers: ClinVar variation 2701324 (VCV002701324.3), dbSNP rs2512567446, ClinGen allele CA404017597.

ClinVar aggregate classification (germline): Likely pathogenic (1 of 4 stars; one submission).

Conditions:
Immunodeficiency 35 (IMD35). Also called: HIES WITH ATYPICAL MYCOBACTERIOSIS, AUTOSOMAL RECESSIVE; HYPER-IgE SYNDROME WITH ATYPICAL MYCOBACTERIOSIS, AUTOSOMAL RECESSIVE; TYK2 DEFICIENCY; Susceptibility to infection due to TYK2 deficiency. Identifiers: Orphanet 331226, MedGen C1969086, MONDO:0012682, OMIM 611521.

Submission:

Labcorp Genetics (formerly Invitae), Labcorp
Classification: Likely pathogenic for Immunodeficiency 35. Last evaluated: 2023-12-06. Review status: criteria provided, single submitter. Criteria: Invitae Variant Classification Sherloc (09022015). Collection method: clinical testing. Allele origin: germline.
Comment: This sequence change affects a donor splice site in intron 6 of the TYK2 gene. It is expected to disrupt RNA splicing. Variants that disrupt the donor or acceptor splice site typically lead to a loss of protein function (PMID: 16199547), and loss-of-function variants in TYK2 are known to be pathogenic (PMID: 22402565, 26304966). This variant is not present in population databases (gnomAD no frequency). This variant has not been reported in the literature in individuals affected with TYK2-related conditions. Algorithms developed to predict the effect of sequence changes on RNA splicing suggest that this variant may disrupt the consensus splice site. In summary, the currently available evidence indicates that the variant is pathogenic, but additional data are needed to prove that conclusively. Therefore, this variant has been classified as Likely Pathogenic.

Literature cited by the submitters: PubMed 16199547; PubMed 22402565; PubMed 26304966.